The following is an entry in ClinVar:

NM_007294.4(BRCA1):c.[1456T>C;1648A>C536A>G]

Variant type: Haplotype.
Identifiers: ClinVar variation 5016453 (VCV005016453.1).

ClinVar aggregate classification (germline): VUS-mid (1 of 4 stars; one submission).

Conditions:
Malignant tumor of breast. Also called: Malignant breast neoplasm; Cancer breast. Identifiers: MedGen C0006142, MONDO:0007254. Disease mechanism: loss of function.

Submission:

Dr. Zeinali's Medical Genetics Lab, Kawsar Human Genetics Research Center
Classification: VUS-mid for Malignant tumor of breast. Last evaluated: 2026-08-10. Review status: criteria provided, single submitter. Criteria: ACMG Guidelines, 2015. Collection method: clinical testing. Allele origin: germline. Inheritance: Autosomal dominant inheritance. Affected: yes. Observed: 1 variant allele, 1 heterozygote.
Comment: The tumor was classified as grade 2, solid type. Male breast cancer at a young age is an uncommon clinical presentation and provides relevant clinical context for evaluation of this haplotype. The three variants have previously been reported to occur in cis and were observed together in association with breast cancer in a Sicilian family (Augello et al., PMID: 16760288). A similar haplotype was subsequently reported in Spanish patients (Miramar et al., 2007, PMID: 18176857). These observations provide limited clinical evidence supporting a possible association of the haplotype with breast cancer. The combination of early-onset male breast cancer and a family history of multiple malignancies provides additional clinical context; however, these findings are not sufficiently specific to establish pathogenicity. Previous reports have suggested that the combined Y179C, F486L, and N550H substitutions may affect BRCA1 protein conformation and function. However, the available evidence is limited, and definitive functional evidence demonstrating a deleterious effect of the complete haplotype is lacking. Overall, the available clinical, familial, and functional evidence provides limited support for a possible association with breast cancer but is insufficient to establish the pathogenicity of the BRCA1 Y179C-F486L-N550H haplotype. The haplotype is therefore classified as a Variant of Uncertain Significance (VUS).

Literature cited by the submitters: DOI 10.1093/annonc/mdl946; DOI 10.1371/journal.pone.0278010.